The following is an entry in ClinVar:

ClinVar aggregate classification (germline): Uncertain significance (1 of 4 stars; one submission).

Conditions:
Fanconi anemia (FA). Also called: Fanconi's anemia. Identifiers: Orphanet 84, MedGen C0015625, MeSH D005199, MONDO:0019391.

Allele frequency attached by ClinVar (database versions not stated): gnomAD exomes below 0.00001.
gnomAD v4.1: 1 of 1,612,984 alleles (0.000062%); highest among the groups gnomAD compares: Non-Finnish European, 0.000085%; no homozygotes.

Submission:

Labcorp Genetics (formerly Invitae), Labcorp
Classification: Uncertain significance for Fanconi anemia. Last evaluated: 2018-06-12. Review status: criteria provided, single submitter. Criteria: Invitae Variant Classification Sherloc (09022015). Collection method: clinical testing. Allele origin: germline.
Comment: This sequence change replaces alanine with valine at codon 219 of the FANCM protein (p.Ala219Val). The alanine residue is highly conserved and there is a small physicochemical difference between alanine and valine. This variant is not present in population databases (ExAC no frequency). This variant has not been reported in the literature in individuals with FANCM-related disease. Algorithms developed to predict the effect of missense changes on protein structure and function are either unavailable or do not agree on the potential impact of this missense change (SIFT: "Deleterious"; PolyPhen-2: "Probably Damaging"; Align-GVGD: "Class C0"). In summary, the available evidence is currently insufficient to determine the role of this variant in disease. Therefore, it has been classified as a Variant of Uncertain Significance.

NM_020937.4(FANCM):c.656C>T (p.Ala219Val)

Gene: FANCM (FA complementation group M; plus strand). Cytogenetic location: 14q21.2.
Variant type: single nucleotide variant.
Coding change: c.656C>T on transcript NM_020937.4 (MANE Select); coding-DNA position 656, C replaced by T.
Protein change: p.Ala219Val; replaces alanine 219 with valine.
Molecular consequence: missense variant.
Genome position (GRCh38, 1-based): chr14:45,137,216, C>T. VCF-style: chr14-45137216-C-T. GRCh37 (hg19) VCF-style: chr14-45606419-C-T.
Other names: c.656C>T, p.Ala219Val (NM_001308133.2, NM_001308134.2); short protein forms A219V.
Identifiers: ClinVar variation 574614 (VCV000574614.8), dbSNP rs1566718197, ClinGen allele CA389588928.